The following is an entry in ClinVar:

ClinVar aggregate classification (germline): Likely pathogenic (1 of 4 stars; one submission).

Submission:

Labcorp Genetics (formerly Invitae), Labcorp
Classification: Likely pathogenic. Last evaluated: 2021-12-12. Review status: criteria provided, single submitter. Criteria: Invitae Variant Classification Sherloc (09022015). Collection method: clinical testing. Allele origin: germline.
Comment: This variant has not been reported in the literature in individuals affected with TRMU-related conditions. In summary, the currently available evidence indicates that the variant is pathogenic, but additional data are needed to prove that conclusively. Therefore, this variant has been classified as Likely Pathogenic. Algorithms developed to predict the effect of sequence changes on RNA splicing suggest that this variant may disrupt the consensus splice site. This variant is not present in population databases (gnomAD no frequency). This variant results in the deletion of part of exon 9 (c.1017_1018+6del) of the TRMU gene. It is expected to disrupt RNA splicing. Variants that disrupt the donor or acceptor splice site typically lead to a loss of protein function (PMID: 16199547), and loss-of-function variants in TRMU are known to be pathogenic (PMID: 19732863, 23625533).

Literature cited by the submitters: PubMed 16199547; PubMed 19732863; PubMed 23625533.

NM_018006.5(TRMU):c.1017_1018+6del

Gene: TRMU (tRNA mitochondrial 2-thiouridylase; plus strand). Cytogenetic location: 22q13.31.
Variant type: Deletion.
Coding change: c.1017_1018+6del on transcript NM_018006.5 (MANE Select); coding-DNA position 1017 through 6 bases into the intron after coding-DNA position 1018, 8 bases deleted (AGGTGACT; older notation c.1017_1018+6delAGGTGACT).
Molecular consequence: splice donor variant.
Genome position (GRCh38, 1-based): chr22:46,355,587-46,355,594, AGGTGACT deleted; deleting any 8 consecutive bases within chr22:46,355,584-46,355,594 gives the same sequence; the c. name uses the placement nearest the transcript's 3' end. VCF-style (leftmost placement, unchanged base first): chr22-46355583-CACTAGGTG-C. GRCh37 (hg19) VCF-style: chr22-46751480-CACTAGGTG-C.
Other names: c.1017_1018+6del (NM_001282785.2); c.675_676+6del (NM_001282782.2); c.597_598+6del (NM_001282783.2, NM_001282784.2).
Identifiers: ClinVar variation 2040662 (VCV002040662.4), dbSNP rs2518212222, ClinGen allele CA2580099900.